The following is an entry in ClinVar:

NM_020919.4(ALS2):c.2992C>T (p.Arg998Ter)

Gene: ALS2 (alsin Rho guanine nucleotide exchange factor ALS2; minus strand). Cytogenetic location: 2q33.1.
Variant type: single nucleotide variant.
Coding change: c.2992C>T on transcript NM_020919.4 (MANE Select); coding-DNA position 2992, C replaced by T.
Protein change: p.Arg998Ter; replaces arginine 998 with a stop codon.
Molecular consequence: nonsense.
Genome position (GRCh38, 1-based): chr2:201,726,854, G>A on the plus strand (C>T on the coding strand, the complement: ALS2 is on the minus strand). VCF-style: chr2-201726854-G-A. GRCh37 (hg19) VCF-style: chr2-202591577-G-A.
Other names: c.2992C>T(C3115T); c.2992C>T (NM_020919.3); short protein forms R998*.
Identifiers: ClinVar variation 4413 (VCV000004413.7), dbSNP rs121908137, ClinGen allele CA340248.

ClinVar aggregate classification (germline): Pathogenic/Likely pathogenic. Review status: criteria provided, multiple submitters, no conflicts (2 of 4 stars). 4 submissions from 4 submitters: Pathogenic (1); Likely pathogenic (1). 2 of the submissions do not count toward it. Last evaluated 2024-11-27.

Conditions:
ALS2-related disorder. Also called: ALS2-related condition; ALS2-related disorders; ALS2-Related Spectrum Disorders. Identifiers: MedGen CN169291.
Infantile-onset ascending hereditary spastic paralysis (IAHSP). Also called: Infantile-Onset Ascending Hereditary Spastic Paralysis (IAHSP); Autosomal Recessive Juvenile Amyotrophic Lateral Sclerosis. Identifiers: Orphanet 293168, MedGen C2931441, MONDO:0011797, OMIM 607225. Disease mechanism: loss of function.

Allele frequency attached by ClinVar (database versions not stated): gnomAD 0.00001.
gnomAD v4.1: 1 of 1,613,148 alleles (0.000062%); highest among the groups gnomAD compares: African/African-American, 0.0013%; no homozygotes.

Submissions (4):

Genetic Services Laboratory, University of Chicago
Classification: Pathogenic. Last evaluated: 2024-11-27. Review status: criteria provided, single submitter. Criteria: ACMG Guidelines, 2015. Collection method: clinical testing. Allele origin: germline. Affected: yes.
Comment: DNA sequence analysis of the ALS2 gene demonstrated a sequence change, c.2992C>T, which results in the creation of a premature stop codon at amino acid position 998, p.Arg998*. This sequence change is predicted to result in an abnormal transcript, which may be degraded, or may lead to the production of a truncated ALS2 protein with potentially abnormal function. This sequence change has been described in the gnomAD database in one individual which corresponds to a population frequency of 0.0013 % (dbSNP rs121908137). This sequence change has previously been described in the homozygous state in two siblings with infantile progressive spastic paraplegia (PMID 12919135). It has also been reported in a homozygous state in a patient with early-onset spastic paraparesis, hypokinesia, bradykinesia, dysphagia, dysarthria, and hypomimia (PMID: 24536068). Other loss of function variants, downstream to the position of this variant have been described as pathogenic (PMID: 11586298, 24315819). These collective evidences indicate that this sequence change is pathogenic; however functional studies have not been performed to prove this conclusively.

Blueprint Genetics
Classification: Likely pathogenic for ALS2-related disorders. Last evaluated: 2022-06-03. Review status: criteria provided, single submitter. Criteria: ACMG Guidelines, 2015. Collection method: clinical testing. Allele origin: germline. Affected: yes. Observed: 1 variant allele.

GeneReviews
Classification: Pathogenic for ALS2-Related Disorders. Last evaluated: 2011-02-10. Review status: no assertion criteria provided. Collection method: curation. Allele origin: unknown. Not counted in ClinVar's aggregate classification.
ClinVar note: Converted during submission from pathologic to Pathogenic.

OMIM
Classification: Pathogenic for SPASTIC PARALYSIS, INFANTILE-ONSET ASCENDING. Last evaluated: 2003-09-01. Review status: no assertion criteria provided. Collection method: literature only. Allele origin: germline. Not counted in ClinVar's aggregate classification.

Literature cited by the submitters: PubMed 12919135 (cited by OMIM).